The following is an entry in ClinVar:

NM_018027.5(FRMD4A):c.2774C>T (p.Ser925Leu)

Gene: FRMD4A (FERM domain containing 4A; minus strand). Cytogenetic location: 10p13.
Variant type: single nucleotide variant.
Coding change: c.2774C>T on transcript NM_018027.5 (MANE Select); coding-DNA position 2774, C replaced by T.
Protein change: p.Ser925Leu; replaces serine 925 with leucine.
Molecular consequence: missense variant.
Genome position (GRCh38, 1-based): chr10:13,656,815, G>A on the plus strand (C>T on the coding strand, the complement: FRMD4A is on the minus strand). VCF-style: chr10-13656815-G-A. GRCh37 (hg19) VCF-style: chr10-13698815-G-A.
Other names: c.2822C>T, p.Ser941Leu (NM_001318336.2); c.2873C>T, p.Ser958Leu (NM_001318337.2); c.1847C>T, p.Ser616Leu (NM_001318338.2); short protein forms S616L, S925L, S941L, S958L.
Identifiers: ClinVar variation 4853767 (VCV004853767.1).

ClinVar aggregate classification (germline): Uncertain significance (1 of 4 stars; one submission).

gnomAD v4.1: 3 of 1,578,546 alleles (0.00019%); highest among the groups gnomAD compares: African/African-American, 0.0041%; no homozygotes.

Submission:

Women's Health and Genetics/Laboratory Corporation of America, LabCorp
Classification: Uncertain significance. Last evaluated: 2026-05-20. Review status: criteria provided, single submitter. Criteria: LabCorp Variant Classification Summary - May 2015. Collection method: clinical testing. Allele origin: germline.
Comment: Variant summary: FRMD4A c.2774C>T (p.Ser925Leu) results in a non-conservative amino acid change in the encoded protein sequence. Algorithms developed to predict the effect of missense changes on protein structure and function are either unavailable or do not agree on the potential impact of this missense change. The variant was absent in 195670 control chromosomes. The available data on variant occurrences in the general population are insufficient to allow any conclusion about variant significance. To our knowledge, no occurrence of c.2774C>T in individuals affected with FRMD4A-related conditions and no experimental evidence demonstrating its impact on protein function have been reported. No submitters have cited clinical-significance assessments for this variant to ClinVar. Based on the evidence outlined above, the variant was classified as uncertain significance.